The following is an entry in ClinVar:

ClinVar aggregate classification (germline): Benign/Likely benign. Review status: criteria provided, multiple submitters, no conflicts (2 of 4 stars). 3 submissions from 3 submitters: Benign (1); Likely benign (2). Last evaluated 2025-11-03.

Conditions:
Cardiovascular phenotype. Identifiers: MedGen CN230736.
Myofibrillar myopathy 6. Identifiers: Orphanet 199340, MedGen C2751831, MONDO:0013061, OMIM 612954.
Dilated cardiomyopathy 1HH (CMD1HH). Identifiers: Orphanet 154, MedGen C3151293, MONDO:0013479, OMIM 613881.

Allele frequency attached by ClinVar (database versions not stated): gnomAD 0.00001; gnomAD exomes 0.00001.
gnomAD v4.1: 14 of 1,613,844 alleles (0.00087%); highest among the groups gnomAD compares: African/African-American, 0.011%; no homozygotes.

Submissions (3):

Labcorp Genetics (formerly Invitae), Labcorp
Classification: Benign for Dilated cardiomyopathy 1HH; Myofibrillar myopathy 6. Last evaluated: 2025-11-03. Review status: criteria provided, single submitter. Criteria: Invitae Variant Classification Sherloc (09022015). Collection method: clinical testing. Allele origin: germline.

Molecular Diagnostic Laboratory for Inherited Cardiovascular Disease, Montreal Heart Institute
Classification: Likely benign. Last evaluated: 2025-04-09. Review status: criteria provided, single submitter. Criteria: ACMG Guidelines, 2015. Collection method: clinical testing. Allele origin: germline. Affected: no.
Comment: BP7

Ambry Genetics
Classification: Likely benign for Cardiovascular phenotype. Last evaluated: 2025-01-16. Review status: criteria provided, single submitter. Criteria: Ambry Variant Classification Scheme 2023. Collection method: clinical testing. Allele origin: germline.

NM_004281.4(BAG3):c.873G>A (p.Ser291=)

Gene: BAG3 (BAG cochaperone 3; plus strand). Cytogenetic location: 10q26.11.
Variant type: single nucleotide variant.
Coding change: c.873G>A on transcript NM_004281.4 (MANE Select); coding-DNA position 873, G replaced by A.
Protein change: p.Ser291=; no amino-acid change (serine 291 retained).
Molecular consequence: synonymous variant.
Genome position (GRCh38, 1-based): chr10:119,672,620, G>A. VCF-style: chr10-119672620-G-A. GRCh37 (hg19) VCF-style: chr10-121432132-G-A.
Identifiers: ClinVar variation 2144005 (VCV002144005.6), dbSNP rs1387744249, ClinGen allele CA471634728.